The following is an entry in ClinVar:

ClinVar aggregate classification (germline): Likely benign (1 of 4 stars; one submission).

Conditions:
Hereditary retinoblastoma. Identifiers: Orphanet 357027, MedGen C0751483, MONDO:0018160.

gnomAD v4.1: 145 of 1,488,584 alleles (0.0097%); highest among the groups gnomAD compares: African/African-American, 0.17%; no homozygotes.

Submission:

Ramesar Group, Division of Human Genetics, Institute of Infectious Diseases and Molecular Medicine, UCT/MRC Genomic and Precision Medicine Research Unit, University of Cape Town
Classification: Likely benign for Hereditary retinoblastoma. Last evaluated: 2025-09-17. Review status: criteria provided, single submitter. Criteria: ACMG Guidelines, 2015. Collection method: research. Allele origin: germline. Affected: no.
Comment: BP5 - Variant found in a patient with a different retinal disease; RB1 is not associated with the phenotype BP7 - A non-coding variant with no predicted effect on splicing (SpliceAI scores are negligible)

NM_000321.3(RB1):c.2520+38T>C

Gene: RB1 (RB transcriptional corepressor 1; plus strand). Cytogenetic location: 13q14.2.
Variant type: single nucleotide variant.
Coding change: c.2520+38T>C on transcript NM_000321.3 (MANE Select); 38 bases into the intron after coding-DNA position 2520, T replaced by C.
Molecular consequence: intron variant.
Genome position (GRCh38, 1-based): chr13:48,473,428, T>C. VCF-style: chr13-48473428-T-C. GRCh37 (hg19) VCF-style: chr13-49047564-T-C.
Other names: c.2520+38T>C (NM_001407165.1).
Identifiers: ClinVar variation 4759372 (VCV004759372.1), dbSNP rs200176589.
Genomic context (GRCh38, chr13:48,473,428, plus strand): 5'-TATCAATTGGTGAATCATTCGGGGTGAGTATTTTCTTTCTATGAAATATAATAGTATGCA[T>C]TGTAAGTATAAAAGAAATTAAAGCTTTCTATAATTTGAATTTCCAAATGCAGTTATTCAA-3'